The following is an entry in ClinVar:

ClinVar aggregate classification (germline): Uncertain significance. Review status: criteria provided, multiple submitters, no conflicts (2 of 4 stars). 2 submissions from 2 submitters: Uncertain significance (2). Last evaluated 2025-12-10.

Conditions:
Mowat-Wilson syndrome (MOWS). Also called: Classic Mowat-Wilson Syndrome. Identifiers: Orphanet 2152, MedGen C1856113, MONDO:0009341, OMIM 235730.

gnomAD v4.1: 1 of 1,610,944 alleles (0.000062%); highest among the groups gnomAD compares: African/African-American, 0.0013%; no homozygotes.

Submissions (2):

Dasa
Classification: Uncertain significance. Last evaluated: 2025-12-10. Review status: criteria provided, single submitter. Criteria: DASA Assertion Criteria. Collection method: clinical testing. Allele origin: germline.
Comment: NM_014795.4(ZEB2):c.3301T>G (p.Leu1101Val) is a missense variant that results in the substitution of leucine with valine. This variant is rare in population databases. The currently available literature and clinical evidence are not sufficient to establish a definitive association between this variant and the reported condition. Therefore, this variant is classified as a variant of uncertain significance.

Labcorp Genetics (formerly Invitae), Labcorp
Classification: Uncertain significance for Mowat-Wilson syndrome. Last evaluated: 2024-05-23. Review status: criteria provided, single submitter. Criteria: Invitae Variant Classification Sherloc (09022015). Collection method: clinical testing. Allele origin: germline.
Comment: This sequence change replaces leucine, which is neutral and non-polar, with valine, which is neutral and non-polar, at codon 1101 of the ZEB2 protein (p.Leu1101Val). This variant is not present in population databases (gnomAD no frequency). This variant has not been reported in the literature in individuals affected with ZEB2-related conditions. An algorithm developed to predict the effect of missense changes on protein structure and function (PolyPhen-2) suggests that this variant is likely to be disruptive. In summary, the available evidence is currently insufficient to determine the role of this variant in disease. Therefore, it has been classified as a Variant of Uncertain Significance.

NM_014795.4(ZEB2):c.3301T>G (p.Leu1101Val)

Gene: ZEB2 (zinc finger E-box binding homeobox 2; minus strand). Cytogenetic location: 2q22.3.
Variant type: single nucleotide variant.
Coding change: c.3301T>G on transcript NM_014795.4 (MANE Select); coding-DNA position 3301, T replaced by G.
Protein change: p.Leu1101Val; replaces leucine 1101 with valine.
Molecular consequence: missense variant.
Genome position (GRCh38, 1-based): chr2:144,389,795, A>C on the plus strand (T>G on the coding strand, the complement: ZEB2 is on the minus strand). VCF-style: chr2-144389795-A-C. GRCh37 (hg19) VCF-style: chr2-145147362-A-C.
Other names: c.3229T>G, p.Leu1077Val (NM_001171653.2); short protein forms L1077V, L1101V.
Identifiers: ClinVar variation 3654364 (VCV003654364.4).
Genomic context (GRCh38, chr2:144,389,795, plus strand): 5'-ACCCCTGAGGGGTAATGCTCTGCAAGTAAGCCCGGTTCATCAGCAGCTCGGTGGGTTCCA[A>C]GTGCCCTTTCTCGCGCGCCTCGCGCTCCGCCGCTTCCCGCTCCTCCGCCTCCCGCTTGCA-3'
Protein context (NP_055610.1, residues 1091-1111): AEREAREKGH[Leu1101Val]EPTELLMNRA